The following is an entry in ClinVar:

NC_012920.1(MT-ND2):m.4908C>T

Gene: MT-ND2 (mitochondrially encoded NADH dehydrogenase 2; plus strand).
Variant type: single nucleotide variant.
Genome position: chrM-4908-C-T.
Identifiers: ClinVar variation 692516 (VCV000692516.1), dbSNP rs1603219668, ClinGen allele CA414778051.

ClinVar aggregate classification (germline): Likely benign (1 of 4 stars; one submission).

Conditions:
Leigh syndrome (NULS). Also called: Leigh's necrotizing encephalopathy; Leigh's disease; Leigh Syndrome (mtDNA deletion); Leigh Disease; Subacute necrotizing encephalopathy; Necrotizing encephalopathy infantile subacute of Leigh. Identifiers: Orphanet 506, MedGen C2931891, MONDO:0009723, OMIM 256000.

Submission:

Wong Mito Lab, Molecular and Human Genetics, Baylor College of Medicine
Classification: Likely benign for Leigh syndrome. Last evaluated: 2019-10-17. Review status: criteria provided, single submitter. Criteria: Modified ACMG Guidelines (Unpublished). Collection method: clinical testing. Allele origin: germline.
Comment: The NC_012920.1:m.4908C>T (YP_003024027.1:p.Pro147Ser) variant in MTND2 gene is interpretated to be a Likely Benign variant based on the modified ACMG guidelines (unpublished). This variant meets the following evidence codes: BS1, BP4